The following is an entry in ClinVar:

ClinVar aggregate classification (germline): Uncertain significance (1 of 4 stars; one submission).

Submission:

Dasa
Classification: Uncertain significance. Last evaluated: 2026-03-25. Review status: criteria provided, single submitter. Criteria: DASA Assertion Criteria. Collection method: clinical testing. Allele origin: germline.
Comment: NM_000829.4(GRIA4):c.340C>T (p.His114Tyr) is a missense variant that results in the substitution of histidine with tyrosine. This variant is rare in population databases. The currently available literature and clinical evidence are not sufficient to establish a definitive association between this variant and the reported condition. Therefore, this variant is classified as a variant of uncertain significance.

NM_000829.4(GRIA4):c.340C>T (p.His114Tyr)

Gene: GRIA4 (glutamate ionotropic receptor AMPA type subunit 4; plus strand). Cytogenetic location: 11q22.3.
Variant type: single nucleotide variant.
Coding change: c.340C>T on transcript NM_000829.4 (MANE Select); coding-DNA position 340, C replaced by T.
Protein change: p.His114Tyr; replaces histidine 114 with tyrosine.
Molecular consequence: missense variant. On other transcripts: non-coding transcript variant (1).
Genome position (GRCh38, 1-based): chr11:105,753,073, C>T. VCF-style: chr11-105753073-C-T. GRCh37 (hg19) VCF-style: chr11-105623799-C-T.
Other names: c.340C>T, p.His114Tyr (NM_001440389.1, NM_001440390.1, NM_001440391.1 and 20 more transcripts); short protein forms H114Y.
Identifiers: ClinVar variation 4882714 (VCV004882714.2).